The following is an entry in ClinVar:

ClinVar aggregate classification (germline): Conflicting classifications of pathogenicity. Review status: criteria provided, conflicting classifications (1 of 4 stars). 3 submissions from 3 submitters: Uncertain significance (2); Likely benign (1). Last evaluated 2024-04-16.

Conditions:
Hereditary breast ovarian cancer syndrome. Also called: Hereditary breast and ovarian cancer syndrome; Hereditary breast and ovarian cancer; Hereditary breast and ovarian cancer syndrome (HBOC); Breast and ovarian cancer; Hereditary breast and/or ovarian cancer syndrome; BRCA1- and BRCA2-Associated Hereditary Breast and Ovarian Cancer. Identifiers: Orphanet 145, MedGen C0677776, MeSH D061325, MONDO:0003582. Disease mechanism: loss of function.
Hereditary cancer-predisposing syndrome. Also called: Neoplastic Syndromes, Hereditary; Tumor predisposition; Hereditary Cancer Syndrome; Hereditary neoplastic syndrome. Identifiers: Orphanet 140162, MedGen C0027672, MeSH D009386, MONDO:0015356.

Submissions (3):

Labcorp Genetics (formerly Invitae), Labcorp
Classification: Uncertain significance for Hereditary breast ovarian cancer syndrome. Last evaluated: 2024-04-16. Review status: criteria provided, single submitter. Criteria: Invitae Variant Classification Sherloc (09022015). Collection method: clinical testing. Allele origin: germline.
Comment: This sequence change replaces valine, which is neutral and non-polar, with phenylalanine, which is neutral and non-polar, at codon 733 of the BRCA2 protein (p.Val733Phe). This variant is not present in population databases (gnomAD no frequency). This variant has not been reported in the literature in individuals affected with BRCA2-related conditions. ClinVar contains an entry for this variant (Variation ID: 483040). Advanced modeling of protein sequence and biophysical properties (such as structural, functional, and spatial information, amino acid conservation, physicochemical variation, residue mobility, and thermodynamic stability) performed at Invitae indicates that this missense variant is not expected to disrupt BRCA2 protein function with a negative predictive value of 95%. In summary, the available evidence is currently insufficient to determine the role of this variant in disease. Therefore, it has been classified as a Variant of Uncertain Significance.

University of Washington Department of Laboratory Medicine, University of Washington
Classification: Likely benign for Hereditary cancer-predisposing syndrome. Last evaluated: 2023-03-23. Review status: criteria provided, single submitter. Criteria: Dines et al. (Genet Med. 2020). Collection method: curation. Allele origin: germline.
Comment: Missense variant in a coldspot region where missense variants are very unlikely to be pathogenic (PMID:31911673).

BRCA2 exon 11 coldspot. Reclassification based on statistical prior probability.

Ambry Genetics
Classification: Uncertain significance for Hereditary cancer-predisposing syndrome. Last evaluated: 2016-07-06. Review status: criteria provided, single submitter. Criteria: Ambry Variant Classification Scheme 2023. Collection method: clinical testing. Allele origin: germline.
Comment: The p.V733F variant (also known as c.2197G>T), located in coding exon 10 of the BRCA2 gene, results from a G to T substitution at nucleotide position 2197. The valine at codon 733 is replaced by phenylalanine, an amino acid with highly similar properties. This variant was not reported in population based cohorts in the following databases: Database of Single Nucleotide Polymorphisms (dbSNP), NHLBI Exome Sequencing Project (ESP), and 1000 Genomes Project. In the ESP, this variant was not observed in 6503 samples (13006 alleles) with coverage at this position. To date, this alteration has been detected with an allele frequency of approximately 0.0003% (greater than 300000 alleles tested) in our clinical cohort. This amino acid position is poorly conserved in available vertebrate species. In addition, this alteration is predicted to be tolerated by in silico analysis. Since supporting evidence is limited at this time, the clinical significance of this alteration remains unclear.

NM_000059.4(BRCA2):c.2197G>T (p.Val733Phe)

Gene: BRCA2 (BRCA2 DNA repair associated; plus strand). Cytogenetic location: 13q13.1.
Variant type: single nucleotide variant.
Coding change: c.2197G>T on transcript NM_000059.4 (MANE Select); coding-DNA position 2197, G replaced by T.
Protein change: p.Val733Phe; replaces valine 733 with phenylalanine.
Molecular consequence: missense variant.
Genome position (GRCh38, 1-based): chr13:32,336,552, G>T. VCF-style: chr13-32336552-G-T. GRCh37 (hg19) VCF-style: chr13-32910689-G-T.
Other names: short protein forms V733F.
Identifiers: ClinVar variation 483040 (VCV000483040.14), dbSNP rs876658303, ClinGen allele CA387770484.
Genomic context (GRCh38, chr13:32,336,552, plus strand): 5'-CAGGAAGGACAGTGTGAAAATGATCCAAAAAGCAAAAAAGTTTCAGATATAAAAGAAGAG[G>T]TCTTGGCTGCAGCATGTCACCCAGTACAACATTCAAAAGTGGAATACAGTGATACTGACT-3'
Protein context (NP_000050.3, residues 723-743): SKKVSDIKEE[Val733Phe]LAAACHPVQH